The following is an entry in ClinVar:

ClinVar aggregate classification (germline): Uncertain significance. Review status: criteria provided, single submitter (1 of 4 stars). 2 submissions from 2 submitters: Uncertain significance (1). 1 of the submissions does not count toward it. Last evaluated 2022-07-25.

Conditions:
Renal carnitine transport defect (CDSP). Also called: CARNITINE DEFICIENCY, SYSTEMIC, DUE TO DEFECT IN RENAL REABSORPTION OF CARNITINE; Carnitine transporter deficiency; Primary carnitine deficiency; Systemic primary carnitine deficiency; Systemic primary carnitine deficiency disease; CARNITINE TRANSPORTER, PLASMA-MEMBRANE, DEFICIENCY OF. Identifiers: Orphanet 158, MedGen C0342788, MONDO:0008919, OMIM 212140.
Decreased circulating carnitine concentration. Also called: Decreased plasma carnitine. Identifiers: MedGen C5848230, HP:0003234.

Allele frequency attached by ClinVar (database versions not stated): gnomAD 0.00001; TOPMed 0.00002; ExAC 0.00003; gnomAD exomes 0.00003; ESP Exome Variant Server 0.00008.
gnomAD v4.1: 48 of 1,611,698 alleles (0.003%); highest among the groups gnomAD compares: Middle Eastern, 0.033%; no homozygotes.

Submissions (2):

Labcorp Genetics (formerly Invitae), Labcorp
Classification: Uncertain significance for Renal carnitine transport defect. Last evaluated: 2022-07-25. Review status: criteria provided, single submitter. Criteria: Invitae Variant Classification Sherloc (09022015). Collection method: clinical testing. Allele origin: germline.
Comment: This sequence change replaces threonine, which is neutral and polar, with alanine, which is neutral and non-polar, at codon 45 of the SLC22A5 protein (p.Thr45Ala). This variant is present in population databases (rs376438682, gnomAD 0.01%). This variant has not been reported in the literature in individuals affected with SLC22A5-related conditions. ClinVar contains an entry for this variant (Variation ID: 529851). Algorithms developed to predict the effect of missense changes on protein structure and function output the following: SIFT: "Tolerated"; PolyPhen-2: "Benign"; Align-GVGD: "Class C0". The alanine amino acid residue is found in multiple mammalian species, which suggests that this missense change does not adversely affect protein function. In summary, the available evidence is currently insufficient to determine the role of this variant in disease. Therefore, it has been classified as a Variant of Uncertain Significance.

Natera, Inc.
Classification: Uncertain significance for Carnitine deficiency. Last evaluated: 2020-07-08. Review status: no assertion criteria provided. Collection method: clinical testing. Allele origin: germline. Not counted in ClinVar's aggregate classification.

NM_003060.4(SLC22A5):c.133A>G (p.Thr45Ala)

Gene: SLC22A5 (solute carrier family 22 member 5; plus strand). Cytogenetic location: 5q31.1.
Variant type: single nucleotide variant.
Coding change: c.133A>G on transcript NM_003060.4 (MANE Select); coding-DNA position 133, A replaced by G.
Protein change: p.Thr45Ala; replaces threonine 45 with alanine.
Molecular consequence: missense variant.
Genome position (GRCh38, 1-based): chr5:132,370,105, A>G. VCF-style: chr5-132370105-A-G. GRCh37 (hg19) VCF-style: chr5-131705797-A-G.
Other names: c.133A>G, p.Thr45Ala (NM_001308122.2); short protein forms T45A.
Identifiers: ClinVar variation 529851 (VCV000529851.9), dbSNP rs376438682, ClinGen allele CA3403795.